The following is an entry in ClinVar:

NM_001378609.3(OTOGL):c.1291G>A (p.Val431Ile)

Gene: OTOGL (otogelin like; plus strand). Cytogenetic location: 12q21.31.
Variant type: single nucleotide variant.
Coding change: c.1291G>A on transcript NM_001378609.3 (MANE Select); coding-DNA position 1291, G replaced by A.
Protein change: p.Val431Ile; replaces valine 431 with isoleucine.
Molecular consequence: missense variant.
Genome position (GRCh38, 1-based): chr12:80,253,471, G>A. VCF-style: chr12-80253471-G-A. GRCh37 (hg19) VCF-style: chr12-80647251-G-A.
Other names: c.1291G>A, p.Val431Ile (NM_001368062.3, NM_001378610.3, NM_173591.7); short protein forms V431I.
Identifiers: ClinVar variation 2577651 (VCV002577651.1), dbSNP rs771654562, ClinGen allele CA6700420.

ClinVar aggregate classification (germline): Uncertain significance (1 of 4 stars; one submission).

Allele frequency attached by ClinVar (database versions not stated): gnomAD exomes 0.00001; ExAC 0.00002; gnomAD 0.00002; TOPMed 0.00002.
gnomAD v4.1: 15 of 1,611,420 alleles (0.00093%); highest among the groups gnomAD compares: Admixed American, 0.0083%; no homozygotes.

Submission:

GeneDx
Classification: Uncertain significance. Last evaluated: 2023-02-27. Review status: criteria provided, single submitter. Criteria: GeneDx Variant Classification Process June 2021. Collection method: clinical testing. Allele origin: germline. Affected: yes.
Comment: In silico analysis supports that this missense variant does not alter protein structure/function; Has not been previously published as pathogenic or benign to our knowledge